The following is an entry in ClinVar:

ClinVar aggregate classification (germline): Uncertain significance (1 of 4 stars; one submission).

Submission:

Labcorp Genetics (formerly Invitae), Labcorp
Classification: Uncertain significance. Last evaluated: 2022-05-13. Review status: criteria provided, single submitter. Criteria: Invitae Variant Classification Sherloc (09022015). Collection method: clinical testing. Allele origin: germline.
Comment: In summary, the available evidence is currently insufficient to determine the role of this variant in disease. Therefore, it has been classified as a Variant of Uncertain Significance. Experimental studies and prediction algorithms are not available or were not evaluated, and the effect of this variant on mRNA splicing is currently unknown. This variant has not been reported in the literature in individuals affected with SRP54-related conditions. This variant is not present in population databases (gnomAD no frequency). This sequence change falls in intron 8 of the SRP54 gene. It does not directly change the encoded amino acid sequence of the SRP54 protein.

NM_003136.4(SRP54):c.636+13_636+14insTTTTTTTTTTTTTTTTTTTTNNNNNNNNNNAGAGGGAGAGGGAGAGGGAGAGGGAGAGGGAGAGGGAGAGGGAGAGCGTAAGTAGCTTTC

Gene: SRP54 (signal recognition particle 54; plus strand). Cytogenetic location: 14q13.2.
Variant type: Insertion.
Coding change: c.636+13_636+14insTTTTTTTTTTTTTTTTTTTTNNNNNNNNNNAGAGGGAGAGGGAGAGGGAGAGGGAGAGGGAGAGGGAGAGGGAGAGCGTAAGTAGCTTTC on transcript NM_003136.4 (MANE Select); bases 13 to 14 of the intron after coding-DNA position 636, TTTTTTTTTTTTTTTTTTTTNNNNNNNNNNAGAGGGAGAGGGAGAGGGAGAGGGAGAGGGAGAGGGAGAGGGAGAGCGTAAGTAGCTTTC inserted.
Molecular consequence: splice donor variant.
Genome position: GRCh38: chr14:35,011,672-35,011,673. GRCh37 (hg19): chr14:35,480,878-35,480,879.
Other names: c.489+13_489+14insTTTTTTTTTTTTTTTTTTTTNNNNNNNNNNAGAGGGAGAGGGAGAGGGAGAGGGAGAGGGAGAGGGAGAGGGAGAGCGTAAGTAGCTTTC (NM_001146282.2).
Identifiers: ClinVar variation 1993779 (VCV001993779.4), dbSNP rs2502755216.